The following is an entry in ClinVar:

NM_020778.5(ALPK3):c.3987G>A (p.Ala1329=)

Gene: ALPK3 (alpha kinase 3; plus strand). Cytogenetic location: 15q25.3.
Variant type: single nucleotide variant.
Coding change: c.3987G>A on transcript NM_020778.5 (MANE Select); coding-DNA position 3987, G replaced by A.
Protein change: p.Ala1329=; no amino-acid change (alanine 1329 retained).
Molecular consequence: synonymous variant.
Genome position (GRCh38, 1-based): chr15:84,859,797, G>A. VCF-style: chr15-84859797-G-A. GRCh37 (hg19) VCF-style: chr15-85403028-G-A.
Identifiers: ClinVar variation 1528223 (VCV001528223.11), dbSNP rs766368279, ClinGen allele CA7709802.

ClinVar aggregate classification (germline): Likely benign. Review status: criteria provided, multiple submitters, no conflicts (2 of 4 stars). 3 submissions from 3 submitters: Likely benign (3). Last evaluated 2026-01-25.

Conditions:
ALPK3-related disorder. Also called: ALPK3-related condition.
Cardiovascular phenotype. Identifiers: MedGen CN230736.

Allele frequency attached by ClinVar (database versions not stated): ExAC 0.00001; gnomAD 0.00001 and 0.00002; gnomAD exomes 0.00001; TOPMed 0.00002.
gnomAD v4.1: 13 of 1,613,204 alleles (0.00081%); highest among the groups gnomAD compares: African/African-American, 0.0027%; no homozygotes.

Submissions (3):

Labcorp Genetics (formerly Invitae), Labcorp
Classification: Likely benign. Last evaluated: 2026-01-25. Review status: criteria provided, single submitter. Criteria: Invitae Variant Classification Sherloc (09022015). Collection method: clinical testing. Allele origin: germline.

PreventionGenetics, part of Exact Sciences
Classification: Likely benign for ALPK3-related condition. Last evaluated: 2025-06-20. Review status: criteria provided, single submitter. Criteria: ACMG Guidelines, 2015. Collection method: clinical testing. Allele origin: germline.
Comment: This variant is classified as likely benign based on ACMG/AMP sequence variant interpretation guidelines (Richards et al. 2015 PMID: 25741868, with internal and published modifications).

Ambry Genetics
Classification: Likely benign for Cardiovascular phenotype. Last evaluated: 2019-11-04. Review status: criteria provided, single submitter. Criteria: Ambry Variant Classification Scheme 2023. Collection method: clinical testing. Allele origin: germline.